The following is an entry in ClinVar:

ClinVar aggregate classification (germline): Conflicting classifications of pathogenicity. Review status: criteria provided, conflicting classifications (1 of 4 stars). 2 submissions from 2 submitters: Uncertain significance (1); Likely benign (1). Last evaluated 2026-01-27.

Conditions:
Charcot-Marie-Tooth disease type 2. Also called: Charcot-Marie-Tooth type 2. Identifiers: Orphanet 64746, MedGen C0270914, MONDO:0018993.

Allele frequency attached by ClinVar (database versions not stated): TOPMed 0.00003; gnomAD 0.00001; ExAC 0.00002; gnomAD exomes 0.00003.
gnomAD v4.1: 38 of 1,614,076 alleles (0.0024%); highest among the groups gnomAD compares: South Asian, 0.024%; no homozygotes.

Submissions (2):

Labcorp Genetics (formerly Invitae), Labcorp
Classification: Uncertain significance for Charcot-Marie-Tooth disease type 2. Last evaluated: 2026-01-27. Review status: criteria provided, single submitter. Criteria: Invitae Variant Classification Sherloc (09022015). Collection method: clinical testing. Allele origin: germline.
Comment: This sequence change replaces valine, which is neutral and non-polar, with methionine, which is neutral and non-polar, at codon 894 of the KIF1B protein (p.Val894Met). This variant is present in population databases (rs764144206, gnomAD 0.02%). This variant has not been reported in the literature in individuals affected with KIF1B-related conditions. ClinVar contains an entry for this variant (Variation ID: 1355316). An algorithm developed to predict the effect of missense changes on protein structure and function (PolyPhen-2) suggests that this variant is likely to be disruptive. In summary, the available evidence is currently insufficient to determine the role of this variant in disease. Therefore, it has been classified as a Variant of Uncertain Significance.

Ambry Genetics
Classification: Likely benign. Last evaluated: 2020-11-10. Review status: criteria provided, single submitter. Criteria: Ambry Variant Classification Scheme 2023. Collection method: clinical testing. Allele origin: germline.

NM_001365951.3(KIF1B):c.2818G>A (p.Val940Met)

Genes: KIF1B (kinesin family member 1B; plus strand), LOC126805614 (BRD4-independent group 4 enhancer GRCh37_chr1:10385546-10386745; plus strand). Cytogenetic location: 1p36.22.
Variant type: single nucleotide variant.
Coding change: c.2818G>A on transcript NM_001365951.3 (MANE Select); coding-DNA position 2818, G replaced by A.
Protein change: p.Val940Met; replaces valine 940 with methionine.
Molecular consequence: missense variant.
Genome position (GRCh38, 1-based): chr1:10,326,253, G>A. VCF-style: chr1-10326253-G-A. GRCh37 (hg19) VCF-style: chr1-10386311-G-A.
Other names: c.2818G>A, p.Val940Met (NM_001365952.1); c.2680G>A, p.Val894Met (NM_015074.3); short protein forms V894M, V940M.
Identifiers: ClinVar variation 1355316 (VCV001355316.8), dbSNP rs764144206, ClinGen allele CA581617.